The following is an entry in ClinVar:

NM_001371596.2(MFSD8):c.998+3_998+6del

Gene: MFSD8 (major facilitator superfamily domain containing 8; minus strand). Cytogenetic location: 4q28.2.
Variant type: Microsatellite.
Coding change: c.998+3_998+6del on transcript NM_001371596.2 (MANE Select); bases 3 to 6 of the intron after coding-DNA position 998, 4 bases deleted (AAGT; older notation c.998+3_998+6delAAGT).
Molecular consequence: splice donor variant.
Genome position (GRCh38, 1-based): chr4:127,930,677-127,930,680, ACTT deleted on the plus strand (AAGT on the coding strand, the reverse complement: MFSD8 is on the minus strand); deleting any 4 consecutive bases within chr4:127,930,677-127,930,684 gives the same sequence; the c. name uses the placement nearest the transcript's 3' end. VCF-style (leftmost placement, unchanged base first): chr4-127930676-AACTT-A. GRCh37 (hg19) VCF-style: chr4-128851831-AACTT-A.
Other names: c.716+3_716+6del (NM_001371595.1); c.548+3_548+6del (NM_001410765.1); c.863+3_863+6del (NM_001371590.2); c.998+3_998+6del (NM_152778.4, NM_001437269.1, NM_001371591.2); c.683+3_683+6del (NM_001363521.3); c.884+3_884+6del (NM_001410766.1, NM_001371593.2); c.797+3_797+6del (NM_001363520.3); c.851+3_851+6del (NM_001371594.2); and 1 more.
Identifiers: ClinVar variation 4816896 (VCV004816896.1).

ClinVar aggregate classification (germline): Likely pathogenic (1 of 4 stars; one submission).

Conditions:
Late-infantile neuronal ceroid lipofuscinosis. Also called: Jansky-Bielschowsky disease. Identifiers: MedGen C0022340, MONDO:0015674.

Submission:

Natera, Inc.
Classification: Likely pathogenic for Late-infantile neuronal ceroid lipofuscinosis. Last evaluated: 2025-07-20. Review status: criteria provided, single submitter. Criteria: Natera Variant Classification Schema (03/2026). Collection method: clinical testing. Allele origin: germline.
Comment: The c.998+3_998+6del variant in MFSD8 is a frameshift variant predicted to shift the reading frame and introduce a stop codon. This variant is rare in the general population with a frequency below the threshold expected for the associated phenotype(s). This variant has been observed in one or more individuals affected with the associated recessive disease, as either homozygous or compound heterozygous with a second variant (PMID: 34567070). Functional studies show that this variant may disrupt protein function (PMID: 34567070). Given the available evidence, this variant is classified as Likely Pathogenic.

Literature cited by the submitters: PubMed 34567070.